The following is an entry in ClinVar:

NM_032578.4(MYPN):c.1717C>G (p.Pro573Ala)

Gene: MYPN (myopalladin; plus strand). Cytogenetic location: 10q21.3.
Variant type: single nucleotide variant.
Coding change: c.1717C>G on transcript NM_032578.4 (MANE Select); coding-DNA position 1717, C replaced by G.
Protein change: p.Pro573Ala; replaces proline 573 with alanine.
Molecular consequence: missense variant. On other transcripts: non-coding transcript variant (2).
Genome position (GRCh38, 1-based): chr10:68,166,410, C>G. VCF-style: chr10-68166410-C-G. GRCh37 (hg19) VCF-style: chr10-69926167-C-G.
Other names: c.1717C>G, p.Pro573Ala (NM_001256267.2); c.835C>G, p.Pro279Ala (NM_001256268.2); short protein forms P573A, P279A.
Identifiers: ClinVar variation 2563968 (VCV002563968.2), dbSNP rs779895608, ClinGen allele CA376839886.

ClinVar aggregate classification (germline): Uncertain significance (1 of 4 stars; one submission).

Conditions:
Cardiovascular phenotype. Identifiers: MedGen CN230736.

Submission:

Ambry Genetics
Classification: Uncertain significance for Cardiovascular phenotype. Last evaluated: 2023-04-03. Review status: criteria provided, single submitter. Criteria: Ambry Variant Classification Scheme 2023. Collection method: clinical testing. Allele origin: germline.
Comment: The p.P573A variant (also known as c.1717C>G), located in coding exon 9 of the MYPN gene, results from a C to G substitution at nucleotide position 1717. The proline at codon 573 is replaced by alanine, an amino acid with highly similar properties. This amino acid position is conserved. In addition, this alteration is predicted to be tolerated by in silico analysis. Since supporting evidence is limited at this time, the clinical significance of this alteration remains unclear.